The following is an entry in ClinVar:

ClinVar aggregate classification (germline): Uncertain significance. Review status: criteria provided, multiple submitters, no conflicts (2 of 4 stars). 6 submissions from 6 submitters: Uncertain significance (6). Last evaluated 2025-07-30.

Conditions:
Cardiovascular phenotype. Identifiers: MedGen CN230736.
Arrhythmogenic right ventricular cardiomyopathy (ARVD). Also called: Arrhythmogenic cardiomyopathy; Cardiomyopathy, ARVC; Arrhythmogenic right ventricular dysplasia; Arrhythmogenic Right Ventricular Cardiomyopathy (ARVC). Identifiers: Orphanet 247, MedGen C0349788, MeSH D019571, MONDO:0016587. Disease mechanism: loss of function. Inheritance: Various modes of inheritance.
Cardiomyopathy (CMYO). Also called: Cardiomyopathies. Identifiers: Orphanet 167848, MedGen C0878544, MONDO:0004994, HP:0001638. Inheritance: Various modes of inheritance.
Arrhythmogenic right ventricular dysplasia 9 (ARVD9). Also called: Arrhythmogenic Right Ventricular Dysplasia/Cardiomyopathy 9; ARRHYTHMOGENIC RIGHT VENTRICULAR DYSPLASIA, FAMILIAL, 9. Identifiers: MedGen C1836906, MONDO:0012180, OMIM 609040.

Allele frequency attached by ClinVar (database versions not stated): gnomAD exomes 0.00001; ExAC 0.00002; gnomAD 0.00003 and 0.00004; TOPMed 0.00004; ESP Exome Variant Server 0.00015.
gnomAD v4.1: 21 of 1,613,892 alleles (0.0013%); highest among the groups gnomAD compares: East Asian, 0.0045%; no homozygotes.

Submissions (6):

Labcorp Genetics (formerly Invitae), Labcorp
Classification: Uncertain significance for Arrhythmogenic right ventricular dysplasia 9. Last evaluated: 2025-07-30. Review status: criteria provided, single submitter. Criteria: Invitae Variant Classification Sherloc (09022015). Collection method: clinical testing. Allele origin: germline.
Comment: This sequence change replaces glycine, which is neutral and non-polar, with arginine, which is basic and polar, at codon 712 of the PKP2 protein (p.Gly712Arg). This variant is present in population databases (rs200844640, gnomAD 0.01%). This missense change has been observed in individual(s) with arrhythmogenic right ventricular cardiomyopathy (PMID: 28767663). ClinVar contains an entry for this variant (Variation ID: 915785). An algorithm developed to predict the effect of missense changes on protein structure and function (PolyPhen-2) suggests that this variant is likely to be disruptive. In summary, the available evidence is currently insufficient to determine the role of this variant in disease. Therefore, it has been classified as a Variant of Uncertain Significance.

Color Diagnostics, LLC DBA Color Health
Classification: Uncertain significance for Cardiomyopathy. Last evaluated: 2025-06-19. Review status: criteria provided, single submitter. Criteria: ACMG Guidelines, 2015. Collection method: clinical testing. Allele origin: germline.
Comment: This missense variant replaces glycine with arginine at codon 712 of the PKP2 protein. Computational prediction suggests that this variant may not impact protein structure and function. To our knowledge, functional studies have not been reported for this variant. This variant has been reported in two siblings affected with arrhythmogenic right ventricular cardiomyopathy, who carried a PKP2 whole gene deletion that could explain the observed phenotype (PMID: 28767663). This variant has been identified in 4/282790 chromosomes in the general population by the Genome Aggregation Database (gnomAD). The available evidence is insufficient to determine the role of this variant in disease conclusively. Therefore, this variant is classified as a Variant of Uncertain Significance.

Women's Health and Genetics/Laboratory Corporation of America, LabCorp
Classification: Uncertain significance. Last evaluated: 2025-04-07. Review status: criteria provided, single submitter. Criteria: LabCorp Variant Classification Summary - May 2015. Collection method: clinical testing. Allele origin: germline.
Comment: Variant summary: PKP2 c.2134G>A (p.Gly712Arg) results in a non-conservative amino acid change in the encoded protein sequence. Four of five in-silico tools predict a damaging effect of the variant on protein function. The variant allele was found at a frequency of 1.2e-05 in 251384 control chromosomes. The available data on variant occurrences in the general population are insufficient to allow any conclusion about variant significance. c.2134G>A has been reported in the literature in individuals affected with Arrhythmogenic Right Ventricular Dysplasia/Cardiomyopathy (Fedida_2017). These report(s) do not provide unequivocal conclusions about association of the variant with Arrhythmogenic Right Ventricular Dysplasia/Cardiomyopathy. To our knowledge, no experimental evidence demonstrating an impact on protein function has been reported. The following publication have been ascertained in the context of this evaluation (PMID: 28767663). ClinVar contains an entry for this variant (Variation ID: 915785). Based on the evidence outlined above, the variant was classified as uncertain significance.

Ambry Genetics
Classification: Uncertain significance for Cardiovascular phenotype. Last evaluated: 2024-07-08. Review status: criteria provided, single submitter. Criteria: Ambry Variant Classification Scheme 2023. Collection method: clinical testing. Allele origin: germline.
Comment: The p.G712R variant (also known as c.2134G>A), located in coding exon 10 of the PKP2 gene, results from a G to A substitution at nucleotide position 2134. The glycine at codon 712 is replaced by arginine, an amino acid with dissimilar properties. This alteration has been reported in an arrhythmogenic right ventricular cardiomyopathy (ARVC) cohort; however, a gross deletion in PKP2 was also identified (Fedida J et al. PLoS One, 2017 Aug;12:e0181840). This amino acid position is highly conserved in available vertebrate species. In addition, the in silico prediction for this alteration is inconclusive. Based on the available evidence, the clinical significance of this variant remains unclear.

All of Us Research Program, National Institutes of Health
Classification: Uncertain significance for Arrhythmogenic right ventricular cardiomyopathy. Last evaluated: 2023-10-30. Review status: criteria provided, single submitter. Criteria: ACMG Guidelines, 2015. Collection method: clinical testing. Allele origin: germline. Inheritance: Autosomal dominant inheritance. Observed: 8 variant alleles, 8 heterozygotes.
Comment: This missense variant replaces glycine with arginine at codon 712 of the PKP2 protein. Computational prediction suggests that this variant may not impact protein structure and function (internally defined REVEL score threshold <= 0.5, PMID: 27666373). To our knowledge, functional studies have not been reported for this variant. This variant has been reported in compound heterozygosity with a PKP2 whole gene deletion in two siblings affected with arrhythmogenic right ventricular cardiomyopathy (PMID: 28767663). This variant has been identified in 4/282790 chromosomes in the general population by the Genome Aggregation Database (gnomAD). The available evidence is insufficient to determine the role of this variant in disease conclusively. Therefore, this variant is classified as a Variant of Uncertain Significance.

This study involves interpretation of variants in research participants for the purpose of population health screening. Participant phenotype was not available at the time of variant classification. Additional details can be found in publication PMID: 35346344, PMCID: PMC8962531

CHEO Genetics Diagnostic Laboratory, Children's Hospital of Eastern Ontario
Classification: Uncertain significance for Cardiomyopathy. Last evaluated: 2018-06-21. Review status: criteria provided, single submitter. Criteria: ACMG Guidelines, 2015. Collection method: clinical testing. Allele origin: germline.

Literature cited by the submitters: PubMed 28767663 (cited by 5 submitters).

NM_001005242.3(PKP2):c.2002G>A (p.Gly668Arg)

Gene: PKP2 (plakophilin 2; minus strand). Cytogenetic location: 12p11.21.
Variant type: single nucleotide variant.
Coding change: c.2002G>A on transcript NM_001005242.3 (MANE Select); coding-DNA position 2002, G replaced by A.
Protein change: p.Gly668Arg; replaces glycine 668 with arginine.
Molecular consequence: missense variant.
Genome position (GRCh38, 1-based): chr12:32,821,367, C>T on the plus strand (G>A on the coding strand, the complement: PKP2 is on the minus strand). VCF-style: chr12-32821367-C-T. GRCh37 (hg19) VCF-style: chr12-32974301-C-T.
Other names: c.2134G>A, p.Gly712Arg (NM_004572.4); short protein forms G668R, G712R.
Identifiers: ClinVar variation 915785 (VCV000915785.18), dbSNP rs200844640, ClinGen allele CA032879.